The following is an entry in ClinVar:

NM_001128840.3(CACNA1D):c.6193-11T>C

Gene: CACNA1D (calcium voltage-gated channel subunit alpha1 D; plus strand). Cytogenetic location: 3p21.1.
Variant type: single nucleotide variant.
Coding change: c.6193-11T>C on transcript NM_001128840.3 (MANE Select); 11 bases into the intron before coding-DNA position 6193, T replaced by C.
Molecular consequence: intron variant.
Genome position (GRCh38, 1-based): chr3:53,811,102, T>C. VCF-style: chr3-53811102-T-C. GRCh37 (hg19) VCF-style: chr3-53845129-T-C.
Other names: c.6121-11T>C (NM_001128839.3); c.6253-11T>C (NM_000720.4).
Identifiers: ClinVar variation 504812 (VCV000504812.15), dbSNP rs369194462, ClinGen allele CA2455398.

ClinVar aggregate classification (germline): Benign/Likely benign. Review status: criteria provided, multiple submitters, no conflicts (2 of 4 stars). 4 submissions from 4 submitters: Benign (3); Likely benign (1). Last evaluated 2025-12-22.

Allele frequency attached by ClinVar (database versions not stated): gnomAD 0.00001 and 0.00024; TOPMed 0.00003; ESP Exome Variant Server 0.00008; gnomAD exomes 0.00057 and 0.00106; 1000 Genomes Project 30x 0.00078; 1000 Genomes Project 0.00080; ExAC 0.00112.
gnomAD v4.1: 853 of 1,612,796 alleles (0.053%); highest among the groups gnomAD compares: South Asian, 0.91%; 9 homozygotes.

Submissions (4):

Labcorp Genetics (formerly Invitae), Labcorp
Classification: Benign. Last evaluated: 2025-12-22. Review status: criteria provided, single submitter. Criteria: Invitae Variant Classification Sherloc (09022015). Collection method: clinical testing. Allele origin: germline.

Blueprint Genetics
Classification: Likely benign. Last evaluated: 2024-10-24. Review status: criteria provided, single submitter. Criteria: ACMG Guidelines, 2015. Collection method: clinical testing. Allele origin: germline.

GeneDx
Classification: Benign. Last evaluated: 2019-08-30. Review status: criteria provided, single submitter. Criteria: GeneDx Variant Classification Process June 2021. Collection method: clinical testing. Allele origin: germline. Affected: yes.

Laboratory for Molecular Medicine, Mass General Brigham Personalized Medicine
Classification: Benign. Last evaluated: 2018-01-20. Review status: criteria provided, single submitter. Criteria: LMM Criteria. Collection method: clinical testing. Allele origin: germline. Observed: 1 variant allele.
Comment: c.6253-11T>C in Intron 48 of CACNA1D: This variant is not expected to have clini cal significance because it has been identified in 0.9% (265/30782) of South Asi an chromosomes by the Genome Aggregation Database (gnomAD; dbSNP rs369194462). In addition, splice predictions do not predict an impact to splicing and a T>C change at this position does not diverge from th e splice consensus sequence and is therefore unlikely to impact splicing.ACMG/AM P Criteria applied: BS1, BS2, BP4.